The following is an entry in ClinVar:

NM_002439.5(MSH3):c.3254A>C (p.Lys1085Thr)

Gene: MSH3 (mutS homolog 3; plus strand). Cytogenetic location: 5q14.1.
Variant type: single nucleotide variant.
Coding change: c.3254A>C on transcript NM_002439.5 (MANE Select); coding-DNA position 3254, A replaced by C.
Protein change: p.Lys1085Thr; replaces lysine 1085 with threonine.
Molecular consequence: missense variant.
Genome position (GRCh38, 1-based): chr5:80,873,239, A>C. VCF-style: chr5-80873239-A-C. GRCh37 (hg19) VCF-style: chr5-80169058-A-C.
Other names: short protein forms K1085T.
Identifiers: ClinVar variation 1011792 (VCV001011792.10), dbSNP rs1746253097, ClinGen allele CA360347039.

ClinVar aggregate classification (germline): Uncertain significance. Review status: criteria provided, multiple submitters, no conflicts (2 of 4 stars). 2 submissions from 2 submitters: Uncertain significance (2). Last evaluated 2024-10-13.

Conditions:
Hereditary cancer-predisposing syndrome. Also called: Hereditary Cancer Syndrome; Tumor predisposition; Neoplastic Syndromes, Hereditary; Hereditary neoplastic syndrome. Identifiers: Orphanet 140162, MedGen C0027672, MeSH D009386, MONDO:0015356.

Submissions (2):

Ambry Genetics
Classification: Uncertain significance for Hereditary cancer-predisposing syndrome. Last evaluated: 2024-10-13. Review status: criteria provided, single submitter. Criteria: Ambry Variant Classification Scheme 2023. Collection method: clinical testing. Allele origin: germline.
Comment: The p.K1085T variant (also known as c.3254A>C), located in coding exon 23 of the MSH3 gene, results from an A to C substitution at nucleotide position 3254. The lysine at codon 1085 is replaced by threonine, an amino acid with similar properties. This amino acid position is conserved. In addition, this alteration is predicted to be tolerated by in silico analysis. Since supporting evidence is limited at this time, the clinical significance of this alteration remains unclear.

Labcorp Genetics (formerly Invitae), Labcorp
Classification: Uncertain significance. Last evaluated: 2023-08-14. Review status: criteria provided, single submitter. Criteria: Invitae Variant Classification Sherloc (09022015). Collection method: clinical testing. Allele origin: germline.
Comment: This sequence change replaces lysine, which is basic and polar, with threonine, which is neutral and polar, at codon 1085 of the MSH3 protein (p.Lys1085Thr). In summary, the available evidence is currently insufficient to determine the role of this variant in disease. Therefore, it has been classified as a Variant of Uncertain Significance. Algorithms developed to predict the effect of missense changes on protein structure and function output the following: SIFT: "Not Available"; PolyPhen-2: "Benign"; Align-GVGD: "Not Available". The threonine amino acid residue is found in multiple mammalian species, which suggests that this missense change does not adversely affect protein function. ClinVar contains an entry for this variant (Variation ID: 1011792). This variant has not been reported in the literature in individuals affected with MSH3-related conditions. This variant is not present in population databases (gnomAD no frequency).